The following is an entry in ClinVar:

ClinVar aggregate classification (germline): Uncertain significance. Review status: criteria provided, multiple submitters, no conflicts (2 of 4 stars). 2 submissions from 2 submitters: Uncertain significance (2). Last evaluated 2025-08-29.

Conditions:
Familial cancer of breast. Also called: hereditary breast carcinoma; BREAST CANCER, FAMILIAL; Hereditary breast cancer. Identifiers: Orphanet 227535, MedGen C0346153, MONDO:0016419, OMIM 114480. Disease mechanism: loss of function.
Fanconi anemia complementation group J. Also called: BRIP1-Related Fanconi Anemia. Identifiers: Orphanet 84, MedGen C1836860, MONDO:0012187, OMIM 609054.
Hereditary cancer-predisposing syndrome. Also called: Hereditary Cancer Syndrome; Hereditary neoplastic syndrome; Neoplastic Syndromes, Hereditary; Tumor predisposition. Identifiers: Orphanet 140162, MedGen C0027672, MeSH D009386, MONDO:0015356.

Allele frequency attached by ClinVar (database versions not stated): gnomAD exomes below 0.00001.
gnomAD v4.1: 3 of 1,613,662 alleles (0.00019%); highest among the groups gnomAD compares: Non-Finnish European, 0.00025%; no homozygotes.

Submissions (2):

Labcorp Genetics (formerly Invitae), Labcorp
Classification: Uncertain significance for Familial cancer of breast; Fanconi anemia complementation group J. Last evaluated: 2025-08-29. Review status: criteria provided, single submitter. Criteria: Invitae Variant Classification Sherloc (09022015). Collection method: clinical testing. Allele origin: germline.
Comment: This sequence change replaces valine, which is neutral and non-polar, with alanine, which is neutral and non-polar, at codon 187 of the BRIP1 protein (p.Val187Ala). This variant is not present in population databases (gnomAD no frequency). This variant has not been reported in the literature in individuals affected with BRIP1-related conditions. ClinVar contains an entry for this variant (Variation ID: 924191). Invitae Evidence Modeling of protein sequence and biophysical properties (such as structural, functional, and spatial information, amino acid conservation, physicochemical variation, residue mobility, and thermodynamic stability) indicates that this missense variant is not expected to disrupt BRIP1 protein function with a negative predictive value of 95%. In summary, the available evidence is currently insufficient to determine the role of this variant in disease. Therefore, it has been classified as a Variant of Uncertain Significance.

Color Diagnostics, LLC DBA Color Health
Classification: Uncertain significance for Hereditary cancer-predisposing syndrome. Last evaluated: 2019-06-28. Review status: criteria provided, single submitter. Criteria: ACMG Guidelines, 2015. Collection method: clinical testing. Allele origin: germline.

NM_032043.3(BRIP1):c.560T>C (p.Val187Ala)

Gene: BRIP1 (BRCA1 interacting DNA helicase 1; minus strand). Cytogenetic location: 17q23.2.
Variant type: single nucleotide variant.
Coding change: c.560T>C on transcript NM_032043.3 (MANE Select); coding-DNA position 560, T replaced by C.
Protein change: p.Val187Ala; replaces valine 187 with alanine.
Molecular consequence: missense variant.
Genome position (GRCh38, 1-based): chr17:61,847,168, A>G on the plus strand (T>C on the coding strand, the complement: BRIP1 is on the minus strand). VCF-style: chr17-61847168-A-G. GRCh37 (hg19) VCF-style: chr17-59924529-A-G.
Other names: short protein forms V187A.
Identifiers: ClinVar variation 924191 (VCV000924191.9), dbSNP rs2078747614, ClinGen allele CA400483112.
Genomic context (GRCh38, chr17:61,847,168, plus strand): 5'-GGCGAAAAGGAGTTTATCTTTTCCAGTGGAGAGTTGAGTTTTACAGTCTTTCCTGAATCA[A>G]CTTTTGCATCCAAATTGTGTACTTCTGTTCCAAAGCAATGACGTTTTCTAATCTGTAAAC-3'
Protein context (NP_114432.2, residues 177-197): GTEVHNLDAK[Val187Ala]DSGKTVKLNS